The following is an entry in ClinVar:

ClinVar aggregate classification (germline): Pathogenic. Review status: reviewed by expert panel (3 of 4 stars). 5 submissions from 5 submitters: Pathogenic (1). 4 of the submissions do not count toward it. Last evaluated 2016-09-08.

Conditions:
Inherited breast cancer and ovarian cancer.
Hereditary cancer-predisposing syndrome. Also called: Hereditary neoplastic syndrome; Neoplastic Syndromes, Hereditary; Hereditary Cancer Syndrome; Tumor predisposition. Identifiers: Orphanet 140162, MedGen C0027672, MeSH D009386, MONDO:0015356.
Breast-ovarian cancer, familial, susceptibility to, 2 (BROVCA2). Also called: BRCA2 Hereditary Breast and Ovarian Cancer. Identifiers: Orphanet 145, MedGen C2675520, MONDO:0012933, OMIM 612555. Disease mechanism: loss of function.

gnomAD v4.1: 1 of 1,613,062 alleles (0.000062%); highest among the groups gnomAD compares: Non-Finnish European, 0.000085%; no homozygotes.

Submissions (5):

Evidence-based Network for the Interpretation of Germline Mutant Alleles (ENIGMA)
Classification: Pathogenic for Breast-ovarian cancer, familial, susceptibility to, 2. Last evaluated: 2016-09-08. Review status: reviewed by expert panel. Criteria: ENIGMA BRCA1/2 Classification Criteria (2015). Collection method: curation. Allele origin: germline.
Comment: Variant allele predicted to encode a truncated non-functional protein.

NHS Central & South Genomic Laboratory Hub
Classification: Pathogenic for Inherited breast cancer and ovarian cancer. Last evaluated: 2026-05-30. Review status: criteria provided, single submitter. Criteria: ACMG Guidelines, 2015. Collection method: clinical testing. Allele origin: germline. Affected: yes. Not counted in ClinVar's aggregate classification.

Color Diagnostics, LLC DBA Color Health
Classification: Pathogenic for Hereditary cancer-predisposing syndrome. Last evaluated: 2021-10-02. Review status: criteria provided, single submitter. Criteria: ACMG Guidelines, 2015. Collection method: clinical testing. Allele origin: germline. Not counted in ClinVar's aggregate classification.
Comment: This variant changes 1 nucleotide in exon 11 of the BRCA2 gene, creating a premature translation stop signal. This variant is expected to result in an absent or non-functional protein product. A different nucleotide change resulting in the same protein consequence (c.3362C>G) has been reported in 3 individuals affected with breast or ovarian cancer in the literature (PMID: 11920621, 33850850). This variant has not been identified in the general population by the Genome Aggregation Database (gnomAD). Loss of BRCA2 function is a known mechanism of disease. Based on the available evidence, this variant is classified as Pathogenic.

Ambry Genetics
Classification: Pathogenic for Hereditary cancer-predisposing syndrome. Last evaluated: 2014-04-24. Review status: criteria provided, single submitter. Criteria: Ambry Autosomal Dominant and X-Linked criteria (10/2015). Collection method: clinical testing. Allele origin: germline. Observed: 1 variant allele. Not counted in ClinVar's aggregate classification.
Comment: The p.S1121* pathogenic mutation (also known as c.3362C>A or 3590C>A), located in coding exon 10 of the BRCA2 gene, results from a C to A substitution at nucleotide position 3362. This changes the amino acid from a serine to a stop codon within coding exon 10. In addition to the clinical data presented in the literature, since premature stop codons are typically deleterious in nature, this alteration is interpreted as a disease-causing mutation (ACMG Recommendations for Standards for Interpretation and Reporting of Sequence Variations. Revision 2007. Genet Med. 2008;10:294).

Breast Cancer Information Core (BIC) (BRCA2)
Classification: Pathogenic for Breast-ovarian cancer, familial 2. Last evaluated: 2003-12-23. Review status: no assertion criteria provided. Collection method: clinical testing. Allele origin: germline. Affected: yes. Observed: 1 variant allele. Not counted in ClinVar's aggregate classification.

Literature cited by the submitters: PubMed 11920621 (cited by Color Diagnostics, LLC DBA Color Health and Ambry Genetics); PubMed 33850850 (cited by Color Diagnostics, LLC DBA Color Health).

NM_000059.4(BRCA2):c.3362C>A (p.Ser1121Ter)

Gene: BRCA2 (BRCA2 DNA repair associated; plus strand). Cytogenetic location: 13q13.1.
Variant type: single nucleotide variant.
Coding change: c.3362C>A on transcript NM_000059.4 (MANE Select); coding-DNA position 3362, C replaced by A.
Protein change: p.Ser1121Ter; replaces serine 1121 with a stop codon.
Molecular consequence: nonsense.
Genome position (GRCh38, 1-based): chr13:32,337,717, C>A. VCF-style: chr13-32337717-C-A. GRCh37 (hg19) VCF-style: chr13-32911854-C-A.
Other names: short protein forms S1121X.
Identifiers: ClinVar variation 126007 (VCV000126007.11), dbSNP rs80358579, ClinGen allele CA017863.
Genomic context (GRCh38, chr13:32,337,717, plus strand): 5'-ATAATTTAACACCTAGCCAAAAGGCAGAAATTACAGAACTTTCTACTATATTAGAAGAAT[C>A]AGGAAGTCAGTTTGAATTTACTCAGTTTAGAAAACCAAGCTACATATTGCAGAAGAGTAC-3'